The following is an entry in ClinVar:

NM_004863.4(SPTLC2):c.778G>A (p.Glu260Lys)

Gene: SPTLC2 (serine palmitoyltransferase long chain base subunit 2; minus strand). Cytogenetic location: 14q24.3.
Variant type: single nucleotide variant.
Coding change: c.778G>A on transcript NM_004863.4 (MANE Select); coding-DNA position 778, G replaced by A.
Protein change: p.Glu260Lys; replaces glutamic acid 260 with lysine.
Molecular consequence: missense variant.
Genome position (GRCh38, 1-based): chr14:77,562,468, C>T on the plus strand (G>A on the coding strand, the complement: SPTLC2 is on the minus strand). VCF-style: chr14-77562468-C-T. GRCh37 (hg19) VCF-style: chr14-78028811-C-T.
Other names: short protein forms E260K.
Identifiers: ClinVar variation 939254 (VCV000939254.14), dbSNP rs2079620247, ClinGen allele CA390710699.

ClinVar aggregate classification (germline): Conflicting classifications of pathogenicity. Review status: criteria provided, conflicting classifications (1 of 4 stars). 3 submissions from 3 submitters: Pathogenic (1); Uncertain significance (2). Last evaluated 2025-01-06.

Conditions:
Neuropathy, hereditary sensory and autonomic, type 1C. Also called: HSAN IC; HSN IC. Identifiers: Orphanet 36386, MedGen C3150896, MONDO:0013337, OMIM 613640.

Submissions (3):

Labcorp Genetics (formerly Invitae), Labcorp
Classification: Pathogenic for Neuropathy, hereditary sensory and autonomic, type 1C. Last evaluated: 2025-01-06. Review status: criteria provided, single submitter. Criteria: Invitae Variant Classification Sherloc (09022015). Collection method: clinical testing. Allele origin: germline.
Comment: This sequence change replaces glutamic acid, which is acidic and polar, with lysine, which is basic and polar, at codon 260 of the SPTLC2 protein (p.Glu260Lys). This variant is not present in population databases (gnomAD no frequency). This missense change has been observed in individual(s) with amyotrophic lateral sclerosis (PMID: 38041679). In at least one individual the variant was observed to be de novo. ClinVar contains an entry for this variant (Variation ID: 939254). Invitae Evidence Modeling of protein sequence and biophysical properties (such as structural, functional, and spatial information, amino acid conservation, physicochemical variation, residue mobility, and thermodynamic stability) has been performed for this missense variant. However, the output from this modeling did not meet the statistical confidence thresholds required to predict the impact of this variant on SPTLC2 protein function. For these reasons, this variant has been classified as Pathogenic.

MGZ Medical Genetics Center
Classification: Uncertain significance for Neuropathy, hereditary sensory and autonomic, type 1C. Last evaluated: 2022-03-30. Review status: criteria provided, single submitter. Criteria: ACMG Guidelines, 2015. Collection method: clinical testing. Allele origin: germline. Affected: yes. Observed: 1 variant allele.
Comment: ACMG criteria applied: PS2_MOD, PM2_SUP, PP3

Revvity Omics, Revvity
Classification: Uncertain significance for Neuropathy, hereditary sensory and autonomic, type 1C. Last evaluated: 2020-01-30. Review status: criteria provided, single submitter. Criteria: ACMG Guidelines, 2015. Collection method: clinical testing. Allele origin: germline.

Literature cited by the submitters: PubMed 38041679 (cited by Labcorp Genetics (formerly Invitae), Labcorp).